The following is an entry in ClinVar:

ClinVar aggregate classification (germline): Uncertain significance (1 of 4 stars; one submission).

gnomAD v4.1: 1 of 1,608,446 alleles (0.000062%); no homozygotes.

Submission:

Labcorp Genetics (formerly Invitae), Labcorp
Classification: Uncertain significance. Last evaluated: 2025-03-18. Review status: criteria provided, single submitter. Criteria: Invitae Variant Classification Sherloc (09022015). Collection method: clinical testing. Allele origin: germline.
Comment: This sequence change replaces alanine, which is neutral and non-polar, with threonine, which is neutral and polar, at codon 216 of the MNX1 protein (p.Ala216Thr). This variant is not present in population databases (gnomAD no frequency). This variant has not been reported in the literature in individuals affected with MNX1-related conditions. An algorithm developed to predict the effect of missense changes on protein structure and function (PolyPhen-2) suggests that this variant is likely to be tolerated. In summary, the available evidence is currently insufficient to determine the role of this variant in disease. Therefore, it has been classified as a Variant of Uncertain Significance.

NM_005515.4(MNX1):c.646G>A (p.Ala216Thr)

Gene: MNX1 (motor neuron and pancreas homeobox 1; minus strand). Cytogenetic location: 7q36.3.
Variant type: single nucleotide variant.
Coding change: c.646G>A on transcript NM_005515.4 (MANE Select); coding-DNA position 646, G replaced by A.
Protein change: p.Ala216Thr; replaces alanine 216 with threonine.
Molecular consequence: missense variant.
Genome position (GRCh38, 1-based): chr7:157,009,705, C>T on the plus strand (G>A on the coding strand, the complement: MNX1 is on the minus strand). VCF-style: chr7-157009705-C-T. GRCh37 (hg19) VCF-style: chr7-156802399-C-T.
Other names: short protein forms A216T.
Identifiers: ClinVar variation 4782064 (VCV004782064.1).